The following is an entry in ClinVar:

NM_001967.4(EIF4A2):c.8G>C (p.Gly3Ala)

Gene: EIF4A2 (eukaryotic translation initiation factor 4A2; plus strand). Cytogenetic location: 3q27.3.
Variant type: single nucleotide variant.
Coding change: c.8G>C on transcript NM_001967.4 (MANE Select); coding-DNA position 8, G replaced by C.
Protein change: p.Gly3Ala; replaces glycine 3 with alanine.
Molecular consequence: missense variant.
Genome position (GRCh38, 1-based): chr3:186,783,618, G>C. VCF-style: chr3-186783618-G-C. GRCh37 (hg19) VCF-style: chr3-186501407-G-C.
Other names: short protein forms G3A.
Identifiers: ClinVar variation 4882073 (VCV004882073.2).
Genomic context (GRCh38, chr3:186,783,618, plus strand): 5'-GGTGGTTGGGCGCCGCTGTCTTTTCAGTCGGGCGCTGAGTGGTTTTTCGGATCATGTCTG[G>C]TGGCTCCGCGGATTATAACAGGTATGCAGTCTGTTGGCGGTCGCGGTCTGTAGTGAAGGT-3'
Protein context (NP_001958.2, residues 1-13): MS[Gly3Ala]GSADYNREHG

ClinVar aggregate classification (germline): Uncertain significance (1 of 4 stars; one submission).

Submission:

Dasa
Classification: Uncertain significance. Last evaluated: 2025-02-14. Review status: criteria provided, single submitter. Criteria: DASA Assertion Criteria. Collection method: clinical testing. Allele origin: germline.
Comment: NM_001967.4(EIF4A2):c.8G>C (p.Gly3Ala) is a missense variant that results in the substitution of glycine with alanine. This variant is absent from population databases. Computational prediction algorithms are consistent with a benign effect. The currently available literature and clinical evidence are not sufficient to establish a definitive association between this variant and the reported condition. Therefore, this variant is classified as a variant of uncertain significance.